The following is an entry in ClinVar:

NM_000540.3(RYR1):c.10441-48G>A

Gene: RYR1 (ryanodine receptor 1; plus strand). Cytogenetic location: 19q13.2.
Variant type: single nucleotide variant.
Coding change: c.10441-48G>A on transcript NM_000540.3 (MANE Select); 48 bases into the intron before coding-DNA position 10441, G replaced by A.
Molecular consequence: intron variant.
Genome position (GRCh38, 1-based): chr19:38,523,867, G>A. VCF-style: chr19-38523867-G-A. GRCh37 (hg19) VCF-style: chr19-39014507-G-A.
Other names: c.10440+558G>A (NM_001042723.2).
Identifiers: ClinVar variation 2583137 (VCV002583137.2), dbSNP rs200576795, ClinGen allele CA308133955.

ClinVar aggregate classification (germline): Pathogenic/Likely pathogenic. Review status: criteria provided, multiple submitters, no conflicts (2 of 4 stars). 2 submissions from 2 submitters: Pathogenic (1); Likely pathogenic (1). Last evaluated 2026-03-12.

Conditions:
Congenital multicore myopathy with external ophthalmoplegia (CMYO1B). Also called: MULTIMINICORE DISEASE WITH EXTERNAL OPHTHALMOPLEGIA; Congenital myopathy 1B, autosomal recessive; Minicore myopathy; MULTICORE MYOPATHY; Minicore myopathy with external ophthalmoplegia. Identifiers: Orphanet 598, Orphanet 98905, MedGen C1850674, MONDO:0009712, OMIM 255320, HP:0003789.

Allele frequency attached by ClinVar (database versions not stated): TOPMed below 0.00001; ESP Exome Variant Server 0.00008.
gnomAD v4.1: 23 of 1,613,828 alleles (0.0014%); highest among the groups gnomAD compares: Non-Finnish European, 0.0019%; no homozygotes.

Submissions (2):

GeneDx
Classification: Pathogenic. Last evaluated: 2026-03-12. Review status: criteria provided, single submitter. Criteria: GeneDx Variant Classification Process June 2021. Collection method: clinical testing. Allele origin: germline.
Comment: RNA studies demonstrate this variant results in the activation of a cryptic splice site leading to a frameshift variant (PMID: 34528764); Not observed at significant frequency in large population cohorts (gnomAD); This variant is associated with the following publications: (PMID: 34528764, 39409197)

Human Genetics Bochum, Ruhr University Bochum
Classification: Likely pathogenic for Congenital multicore myopathy with external ophthalmoplegia. Last evaluated: 2023-08-29. Review status: criteria provided, single submitter. Criteria: ACMG Guidelines, 2015. Collection method: clinical testing. Allele origin: germline. Affected: yes.
Comment: ACMG criteria used to clasify this variant: PS3, PS4_SUP, PM2_SUP, PM3

Literature cited by the submitters: PubMed 34528764 (cited by Human Genetics Bochum, Ruhr University Bochum).